The following is an entry in ClinVar:

NM_004370.6(COL12A1):c.2410T>G (p.Leu804Val)

Gene: COL12A1 (collagen type XII alpha 1 chain; minus strand). Cytogenetic location: 6q13.
Variant type: single nucleotide variant.
Coding change: c.2410T>G on transcript NM_004370.6 (MANE Select); coding-DNA position 2410, T replaced by G.
Protein change: p.Leu804Val; replaces leucine 804 with valine.
Molecular consequence: missense variant. On other transcripts: intron variant (1).
Genome position (GRCh38, 1-based): chr6:75,177,690, A>C on the plus strand (T>G on the coding strand, the complement: COL12A1 is on the minus strand). VCF-style: chr6-75177690-A-C. GRCh37 (hg19) VCF-style: chr6-75887406-A-C.
Other names: c.2410T>G (NM_004370.5); c.73+25030T>G (NM_080645.3); short protein forms L804V.
Identifiers: ClinVar variation 1063171 (VCV001063171.11), dbSNP rs769631929, ClinGen allele CA3893991.

ClinVar aggregate classification (germline): Conflicting classifications of pathogenicity. Review status: criteria provided, conflicting classifications (1 of 4 stars). 4 submissions from 4 submitters: Uncertain significance (3); Likely benign (1). Last evaluated 2026-02-01.

Conditions:
Ullrich congenital muscular dystrophy 2 (UCMD2). Identifiers: Orphanet 75840, MedGen C4225314, MONDO:0014654, OMIM 616470.
Bethlem myopathy 2 (BTHLM2). Identifiers: Orphanet 536516, Orphanet 610, MedGen C4225313, MONDO:0034022, OMIM 616471.
Inborn genetic diseases. Identifiers: MedGen C0950123, MeSH D030342.

Allele frequency attached by ClinVar (database versions not stated): TOPMed 0.00002; gnomAD 0.00001; gnomAD exomes 0.00005; ExAC 0.00006.
gnomAD v4.1: 18 of 1,613,932 alleles (0.0011%); highest among the groups gnomAD compares: Admixed American, 0.023%; no homozygotes.

Submissions (4):

Labcorp Genetics (formerly Invitae), Labcorp
Classification: Likely benign for Bethlem myopathy 2; Ullrich congenital muscular dystrophy 2. Last evaluated: 2026-02-01. Review status: criteria provided, single submitter. Criteria: Invitae Variant Classification Sherloc (09022015). Collection method: clinical testing. Allele origin: germline.

Ambry Genetics
Classification: Uncertain significance for Inborn genetic diseases. Last evaluated: 2025-01-27. Review status: criteria provided, single submitter. Criteria: Ambry Variant Classification Scheme 2023. Collection method: clinical testing. Allele origin: germline.

GeneDx
Classification: Uncertain significance. Last evaluated: 2024-07-03. Review status: criteria provided, single submitter. Criteria: GeneDx Variant Classification Process June 2021. Collection method: clinical testing. Allele origin: germline. Affected: yes.
Comment: Has not been previously published as pathogenic or benign to our knowledge; In silico analysis indicates that this missense variant does not alter protein structure/function

Revvity Omics, Revvity
Classification: Uncertain significance. Last evaluated: 2019-10-08. Review status: criteria provided, single submitter. Criteria: ACMG Guidelines, 2015. Collection method: clinical testing. Allele origin: germline.